The following is an entry in ClinVar:

ClinVar aggregate classification (germline): Uncertain significance (1 of 4 stars; one submission).

Submission:

GeneDx
Classification: Uncertain significance. Last evaluated: 2025-05-10. Review status: criteria provided, single submitter. Criteria: GeneDx Variant Classification Process June 2021. Collection method: clinical testing. Allele origin: germline. Affected: yes.
Comment: Not observed at significant frequency in large population cohorts (gnomAD); In silico analysis supports that this missense variant has a deleterious effect on protein structure/function; In silico analysis supports a deleterious effect on splicing; Has not been previously published as pathogenic or benign to our knowledge

NM_153252.5(BRWD3):c.4233G>C (p.Arg1411Ser)

Gene: BRWD3 (bromodomain and WD repeat domain containing 3; minus strand). Cytogenetic location: Xq21.1.
Variant type: single nucleotide variant.
Coding change: c.4233G>C on transcript NM_153252.5 (MANE Select); coding-DNA position 4233, G replaced by C.
Protein change: p.Arg1411Ser; replaces arginine 1411 with serine.
Molecular consequence: missense variant.
Genome position (GRCh38, 1-based): chrX:80,684,010, C>G on the plus strand (G>C on the coding strand, the complement: BRWD3 is on the minus strand). VCF-style: chrX-80684010-C-G. GRCh37 (hg19) VCF-style: chrX-79939509-C-G.
Other names: c.4083G>C, p.Arg1361Ser (NM_001441339.1); short protein forms R1361S, R1411S.
Identifiers: ClinVar variation 4528210 (VCV004528210.1).
Genomic context (GRCh38, chrX:80,684,010, plus strand): 5'-CAATTTTCAGTAACTGGTTAAAGAAAACTGCCTGATAATTAACCCAACTAATAATCATAC[C>G]CTTGACTTTTTATTAGAGGTATAAGCTTTGGAGTTGTTGAATATTTGGCGAACATCCTTA-3'
Protein context (NP_694984.5, residues 1401-1421): SKAYTSNKKS[Arg1411Ser]IYSMMLRLSA